The following is an entry in ClinVar:

NM_001297.5(CNGB1):c.1035-12A>G

Gene: CNGB1 (cyclic nucleotide gated channel subunit beta 1; minus strand). Cytogenetic location: 16q21.
Variant type: single nucleotide variant.
Coding change: c.1035-12A>G on transcript NM_001297.5 (MANE Select); 12 bases into the intron before coding-DNA position 1035, A replaced by G.
Molecular consequence: intron variant.
Genome position (GRCh38, 1-based): chr16:57,949,451, T>C on the plus strand (A>G on the coding strand, the complement: CNGB1 is on the minus strand). VCF-style: chr16-57949451-T-C. GRCh37 (hg19) VCF-style: chr16-57983355-T-C.
Other names: c.1017-12A>G (NM_001286130.2).
Identifiers: ClinVar variation 1499914 (VCV001499914.6), dbSNP rs2149381366, ClinGen allele CA2573152490.

ClinVar aggregate classification (germline): Uncertain significance (1 of 4 stars; one submission).

Submission:

Labcorp Genetics (formerly Invitae), Labcorp
Classification: Uncertain significance. Last evaluated: 2022-08-09. Review status: criteria provided, single submitter. Criteria: Invitae Variant Classification Sherloc (09022015). Collection method: clinical testing. Allele origin: germline.
Comment: In summary, the available evidence is currently insufficient to determine the role of this variant in disease. Therefore, it has been classified as a Variant of Uncertain Significance. Algorithms developed to predict the effect of sequence changes on RNA splicing suggest that this variant may disrupt the consensus splice site. ClinVar contains an entry for this variant (Variation ID: 1499914). This variant has not been reported in the literature in individuals affected with CNGB1-related conditions. This variant is not present in population databases (gnomAD no frequency). This sequence change falls in intron 13 of the CNGB1 gene. It does not directly change the encoded amino acid sequence of the CNGB1 protein.